The following is an entry in ClinVar:

NM_003924.4(PHOX2B):c.741_755del (p.Ala256_Ala260del)

Genes: PHOX2B (paired like homeobox 2B; minus strand), LOC110011216 (paired like homeobox 2b polyalanine repeat instability region; plus strand). Cytogenetic location: 4p13.
Variant type: Deletion.
Coding change: c.741_755del on transcript NM_003924.4 (MANE Select); coding-DNA positions 741 to 755, 15 bases deleted (CGCGGCAGCGGCGGC).
Protein change: p.Ala256_Ala260del.
Genome position (GRCh38, 1-based): chr4:41,745,997-41,746,011, GCCGCCGCTGCCGCG deleted on the plus strand (CGCGGCAGCGGCGGC on the coding strand, the reverse complement: PHOX2B is on the minus strand); deleting any 15 consecutive bases within chr4:41,745,997-41,746,019 gives the same sequence; the c. name uses the placement nearest the transcript's 3' end. VCF-style (leftmost placement, unchanged base first): chr4-41745996-CGCCGCCGCTGCCGCG-C. GRCh37 (hg19) VCF-style: chr4-41748013-CGCCGCCGCTGCCGCG-C.
Other names: c.741_755delCGCGGCAGCGGCGGC (NM_003924.3).
Identifiers: ClinVar variation 196371 (VCV000196371.61), dbSNP rs775006915, ClinGen allele CA202339.

ClinVar aggregate classification (germline): Benign/Likely benign. Review status: criteria provided, multiple submitters, no conflicts (2 of 4 stars). 16 submissions from 16 submitters: Benign (6); Likely benign (8). 2 of the submissions do not count toward it. Last evaluated 2026-08-01.

Conditions:
Hereditary cancer-predisposing syndrome. Also called: Hereditary neoplastic syndrome; Tumor predisposition; Neoplastic Syndromes, Hereditary; Hereditary Cancer Syndrome. Identifiers: Orphanet 140162, MedGen C0027672, MeSH D009386, MONDO:0015356.
Haddad syndrome (OHD). Also called: Ondine-Hirschsprung disease. Identifiers: Orphanet 99803, MedGen C1859049, MONDO:0020493.

Submissions (16):

CeGaT Center for Human Genetics Tuebingen
Classification: Benign. Last evaluated: 2026-08-01. Review status: criteria provided, single submitter. Criteria: CeGaT Center For Human Genetics Tuebingen Variant Classification Criteria Version 2. Collection method: clinical testing. Allele origin: germline. Affected: yes. Observed: 40 variant alleles.
Comment: PHOX2B: BS1, BS2

Labcorp Genetics (formerly Invitae), Labcorp
Classification: Benign for Haddad syndrome. Last evaluated: 2026-01-19. Review status: criteria provided, single submitter. Criteria: Invitae Variant Classification Sherloc (09022015). Collection method: clinical testing. Allele origin: germline.

Mayo Clinic Laboratories, Mayo Clinic
Classification: Benign. Last evaluated: 2025-03-31. Review status: criteria provided, single submitter. Criteria: ACMG Guidelines, 2015. Collection method: clinical testing. Allele origin: germline. Observed: 2 variant alleles.
Comment: BA1, BP3

Laboratory of Genetics, Children's Clinical University Hospital Latvia
Classification: Likely benign. Last evaluated: 2025-02-16. Review status: criteria provided, single submitter. Criteria: ACMG Guidelines, 2015. Collection method: clinical testing. Allele origin: germline. Affected: yes.

Blueprint Genetics
Classification: Likely benign. Last evaluated: 2024-11-26. Review status: criteria provided, single submitter. Criteria: ACMG Guidelines, 2015. Collection method: clinical testing. Allele origin: germline.

Women's Health and Genetics/Laboratory Corporation of America, LabCorp
Classification: Benign. Last evaluated: 2023-04-14. Review status: criteria provided, single submitter. Criteria: LabCorp Variant Classification Summary - May 2015. Collection method: clinical testing. Allele origin: germline.
Comment: Variant summary: PHOX2B c.741_755del15 (p.Ala256_Ala260del) results in an in-frame deletion that is predicted to remove 5 amino acids from the encoded protein. This variant is located to a poly-alanine repeat region, where the major allele contains a 20 alanine stretch, and this variant removes 5 alanines. The variant allele was found at a frequency of 0.0033 in 145318 control chromosomes in the gnomAD database, including 1 homozygote. The observed variant frequency is approximately 4000-fold of the estimated maximal expected allele frequency for a pathogenic variant in PHOX2B causing Neuroblastoma, Susceptibility Type, 2 phenotype (8.3e-07), strongly suggesting that the variant is benign. The variant, c.741_755del15 or equivalent protein level changes, have been reported in the literature in individuals affected with Neuroblastoma (e.g. Raabe_2008), however without providing evidence for causality. Similar 5 alanine deletion variants have also been reported in patients affected with Hirschsprung disease, with some of them noting mild neonatal respiratory disorders (Di Zanni_2017). Authors of this study also reported experimental evidence evaluating the impact of contractions of the polyalanine tract, and demonstrated that the -5Ala variant resulted in ~95% transactivation response compared to the WT on RET promoter, while greater contractions (-7Ala and -13Ala) resulted in significantly lower transactivation values (Di Zanni_2017), therefore authors of this study proposed that contractions of the 20 alanine stretch of the PHOX2B gene could increase the susceptibility to Hirschsprung disease (with mild neonatal respiratory disorders). Seven clinical diagnostic laboratories have submitted clinical-significance assessments for this variant to ClinVar after 2014 without evidence for independent evaluation. All laboratories classified the variant as benign/likely benign. Based on the evidence outlined above, the variant was classified as benign.

Institute for Clinical Genetics, University Hospital TU Dresden, University Hospital TU Dresden
Classification: Likely benign. Last evaluated: 2021-11-03. Review status: criteria provided, single submitter. Criteria: ACMG Guidelines, 2015. Collection method: clinical testing. Allele origin: germline.

Genetic Services Laboratory, University of Chicago
Classification: Likely benign. Last evaluated: 2021-08-11. Review status: criteria provided, single submitter. Criteria: ACMG Guidelines, 2015. Collection method: clinical testing. Allele origin: germline. Affected: no.

Sema4
Classification: Benign for Hereditary cancer-predisposing syndrome. Last evaluated: 2020-10-26. Review status: criteria provided, single submitter. Criteria: Sema4 Curation Guidelines. Collection method: curation. Allele origin: germline.

GeneDx
Classification: Likely benign. Last evaluated: 2020-01-06. Review status: criteria provided, single submitter. Criteria: GeneDx Variant Classification Process June 2021. Collection method: clinical testing. Allele origin: germline. Affected: yes.
Comment: This variant is associated with the following publications: (PMID: 17637745, 14566559)

Ambry Genetics
Classification: Likely benign for Hereditary cancer-predisposing syndrome. Last evaluated: 2019-01-31. Review status: criteria provided, single submitter. Criteria: Ambry Variant Classification Scheme 2023. Collection method: clinical testing. Allele origin: germline.

Laboratory for Molecular Medicine, Mass General Brigham Personalized Medicine
Classification: Benign. Last evaluated: 2016-12-14. Review status: criteria provided, single submitter. Criteria: LMM Criteria. Collection method: clinical testing. Allele origin: germline. Observed: 2 variant alleles.
Comment: p.Ala256_Ala260del (also known as p.Ala241[15]) in exon 3 of PHOX2B: This varian t is common in the general population and therefore believed to be benign (Gener eviews). It was d etected in 2% (63/3266) of East Asian chromosomes, including 2 homozygotes, by t he Exome Aggregation Consortium (ExAC; dbSNP rs7 75006915). This variant represents a deletion of 5 alanine amino acids within a repeat sequence in this gene, for a total of 15 total repeats (The predominant n ormal allele contains 20 repeats).

Eurofins Ntd Llc (ga)
Classification: Likely benign. Last evaluated: 2014-12-17. Review status: criteria provided, single submitter. Criteria: EGL Classification Definitions 2015. Collection method: clinical testing. Allele origin: germline. Observed: 1 variant allele, 1 homozygote.

PreventionGenetics, part of Exact Sciences
Classification: Likely benign. Review status: criteria provided, single submitter. Criteria: ACMG Guidelines, 2015. Collection method: clinical testing. Allele origin: germline.

Clinical Genetics DNA and cytogenetics Diagnostics Lab, Erasmus MC, Erasmus Medical Center
Classification: Likely benign. Review status: no assertion criteria provided. Collection method: clinical testing. Allele origin: germline. Affected: yes. Study: VKGL Data-share Consensus. Not counted in ClinVar's aggregate classification.

Genome Diagnostics Laboratory, Amsterdam University Medical Center
Classification: Likely benign. Review status: no assertion criteria provided. Collection method: clinical testing. Allele origin: germline. Affected: yes. Study: VKGL Data-share Consensus. Not counted in ClinVar's aggregate classification.

Literature cited by the submitters: PubMed 28433712 (cited by Women's Health and Genetics/Laboratory Corporation of America, LabCorp); PubMed 12631670 (cited by Women's Health and Genetics/Laboratory Corporation of America, LabCorp); PubMed 17637745 (cited by Women's Health and Genetics/Laboratory Corporation of America, LabCorp); PubMed 12640453 (cited by Laboratory for Molecular Medicine, Mass General Brigham Personalized Medicine); PubMed 14709596 (cited by Eurofins Ntd Llc (ga)).